The following is an entry in ClinVar:

ClinVar aggregate classification (germline): Benign. Review status: criteria provided, multiple submitters, no conflicts (2 of 4 stars). 3 submissions from 3 submitters: Benign (2). 1 of the submissions does not count toward it. Last evaluated 2026-01-22.

Conditions:
BACH2-related disorder. Also called: BACH2-related condition.

Allele frequency attached by ClinVar (database versions not stated): gnomAD exomes 0.00068 and 0.00165; ExAC 0.00197; ESP Exome Variant Server 0.00588; gnomAD 0.00597 and 0.00629; TOPMed 0.00689; 1000 Genomes Project 0.00779; 1000 Genomes Project 30x 0.00906.
gnomAD v4.1: 1,931 of 1,612,670 alleles (0.12%); highest among the groups gnomAD compares: African/African-American, 1.9%; 24 homozygotes.

Submissions (3):

Labcorp Genetics (formerly Invitae), Labcorp
Classification: Benign. Last evaluated: 2026-01-22. Review status: criteria provided, single submitter. Criteria: Invitae Variant Classification Sherloc (09022015). Collection method: clinical testing. Allele origin: germline.

Mayo Clinic Laboratories, Mayo Clinic
Classification: Benign. Last evaluated: 2024-10-05. Review status: criteria provided, single submitter. Criteria: ACMG Guidelines, 2015. Collection method: clinical testing. Allele origin: germline. Observed: 1 variant allele.
Comment: BS1, BS2, BP4

PreventionGenetics, part of Exact Sciences
Classification: Likely benign for BACH2-related condition. Last evaluated: 2020-07-10. Review status: no assertion criteria provided. Collection method: clinical testing. Allele origin: germline. Not counted in ClinVar's aggregate classification.
Comment: This variant is classified as likely benign based on ACMG/AMP sequence variant interpretation guidelines (Richards et al. 2015 PMID: 25741868, with internal and published modifications).

NM_021813.4(BACH2):c.1252G>A (p.Ala418Thr)

Gene: BACH2 (BACH transcriptional regulator 2; minus strand). Cytogenetic location: 6q15.
Variant type: single nucleotide variant.
Coding change: c.1252G>A on transcript NM_021813.4 (MANE Select); coding-DNA position 1252, G replaced by A.
Protein change: p.Ala418Thr; replaces alanine 418 with threonine.
Molecular consequence: missense variant.
Genome position (GRCh38, 1-based): chr6:89,950,854, C>T on the plus strand (G>A on the coding strand, the complement: BACH2 is on the minus strand). VCF-style: chr6-89950854-C-T. GRCh37 (hg19) VCF-style: chr6-90660573-C-T.
Other names: p.Ala418Thr; c.1252G>A, p.Ala418Thr (NM_001170794.2); c.1252G>A (NM_021813.3); short protein forms A418T.
Identifiers: ClinVar variation 709781 (VCV000709781.14), dbSNP rs34335140, ClinGen allele CA3928023.